The following is an entry in ClinVar:

NM_001267550.2(TTN):c.106229C>G (p.Pro35410Arg)

Genes: TTN-AS1 (TTN antisense RNA 1; plus strand), TTN (titin; minus strand). Cytogenetic location: 2q31.2.
Variant type: single nucleotide variant.
Coding change: c.106229C>G on transcript NM_001267550.2 (MANE Select); coding-DNA position 106229, C replaced by G.
Protein change: p.Pro35410Arg; replaces proline 35410 with arginine.
Molecular consequence: missense variant.
Genome position (GRCh38, 1-based): chr2:178,530,386, G>C on the plus strand (C>G on the coding strand, the complement: TTN is on the minus strand). VCF-style: chr2-178530386-G-C. GRCh37 (hg19) VCF-style: chr2-179395113-G-C.
Other names: c.101306C>G, p.Pro33769Arg (NM_001256850.1); c.79034C>G, p.Pro26345Arg (NM_003319.4); c.98525C>G, p.Pro32842Arg (NM_133378.4); c.79409C>G, p.Pro26470Arg (NM_133432.3); c.79610C>G, p.Pro26537Arg (NM_133437.4); short protein forms P35410R, P33769R, P26470R, P26345R, P26537R, P32842R.
Identifiers: ClinVar variation 466751 (VCV000466751.7), dbSNP rs1553483445, ClinGen allele CA349406515.

ClinVar aggregate classification (germline): Uncertain significance (1 of 4 stars; one submission).

Conditions:
Autosomal recessive limb-girdle muscular dystrophy type 2J (LGMDR10). Also called: Limb-girdle muscular dystrophy, type 2J; MUSCULAR DYSTROPHY, LIMB-GIRDLE, AUTOSOMAL RECESSIVE 10. Identifiers: Orphanet 140922, MedGen C1837342, MONDO:0012127, OMIM 608807.
Dilated cardiomyopathy 1G (CMD1G). Identifiers: Orphanet 154, MedGen C1858763, MONDO:0011400, OMIM 604145.

Submission:

Labcorp Genetics (formerly Invitae), Labcorp
Classification: Uncertain significance for Dilated cardiomyopathy 1G; Autosomal recessive limb-girdle muscular dystrophy type 2J. Last evaluated: 2017-02-13. Review status: criteria provided, single submitter. Criteria: Invitae Variant Classification Sherloc (09022015). Collection method: clinical testing. Allele origin: germline.
Comment: Algorithms developed to predict the effect of missense changes on protein structure and function are unavailable for the TTN gene. This variant is not present in population databases (ExAC no frequency) and has not been reported in the literature in individuals with a TTN-related disease. This sequence change replaces proline with arginine at codon 35410 of the TTN protein (p.Pro35410Arg). The proline residue is conserved and there is a moderate physicochemical difference between proline and arginine. In summary, this variant is a novel missense change with unknown impact on protein function. Missense variants in this region of the TTN gene are typically not causative for cardiac disease, but may be relevant for neuromuscular disorders. However, the available evidence is currently insufficient to determine this variant’s role in disease. Therefore, it has been classified as a Variant of Uncertain Significance. This variant identified in the TTN gene is located in the M band of the resulting protein (PMID: 25589632). It is unclear how this variant impacts the function of this protein.

Literature cited by the submitters: PubMed 25589632.